The following is an entry in ClinVar:

NM_139058.3(ARX):c.650C>T (p.Ala217Val)

Gene: ARX (aristaless related homeobox; minus strand). Cytogenetic location: Xp21.3.
Variant type: single nucleotide variant.
Coding change: c.650C>T on transcript NM_139058.3 (MANE Select); coding-DNA position 650, C replaced by T.
Protein change: p.Ala217Val; replaces alanine 217 with valine.
Molecular consequence: missense variant.
Genome position (GRCh38, 1-based): chrX:25,013,345, G>A on the plus strand (C>T on the coding strand, the complement: ARX is on the minus strand). VCF-style: chrX-25013345-G-A. GRCh37 (hg19) VCF-style: chrX-25031462-G-A.
Other names: short protein forms A217V.
Identifiers: ClinVar variation 3338775 (VCV003338775.2).

ClinVar aggregate classification (germline): Uncertain significance. Review status: criteria provided, multiple submitters, no conflicts (2 of 4 stars). 2 submissions from 2 submitters: Uncertain significance (2). Last evaluated 2024-03-08.

Conditions:
Partington syndrome (PRTS). Also called: Mental retardation-dystonic movements-ataxia-seizures syndrome; MENTAL RETARDATION, X-LINKED 36; MENTAL RETARDATION, X-LINKED, SYNDROMIC 1; MENTAL RETARDATION, X-LINKED, WITH DYSTONIC MOVEMENTS, ATAXIA, AND SEIZURES. Identifiers: Orphanet 94083, MedGen C0796250, MONDO:0010654, OMIM 309510.

Submissions (2):

GeneDx
Classification: Uncertain significance. Last evaluated: 2024-03-08. Review status: criteria provided, single submitter. Criteria: GeneDx Variant Classification Process June 2021. Collection method: clinical testing. Allele origin: germline. Affected: yes.
Comment: Not observed at significant frequency in large population cohorts (gnomAD); In silico analysis supports that this missense variant does not alter protein structure/function; Has not been previously published as pathogenic or benign to our knowledge

Pittsburgh Clinical Genomics Laboratory, University of Pittsburgh Medical Center
Classification: Uncertain significance for Partington syndrome. Last evaluated: 2023-07-17. Review status: criteria provided, single submitter. Criteria: ACMG Guidelines, 2015. Collection method: clinical testing. Allele origin: germline. Inheritance: X-linked recessive inheritance. Affected: yes.
Comment: This sequence variant is a single nucleotide substitution (C>T) at position 650 of the coding sequence of the ARX gene that results in an alanine to valine amino acid change at residue 217 of the aristaless related homeobox protein. This novel variant is absent from ClinVar and the gnomAD population database (0 of approximately 100,000 alleles). To our knowledge, this variant has not been observed in an individual affected by an ARX-related disorder in the published literature. Multiple bioinformatic tools predict that this alanine to valine amino acid change would be neutral, though the alanine residue at this position is highly conserved across the vertebrate species examined. Studies examining the functiol consequence of this variant have not been published, to our knowledge. At this time, there is insufficient evidence to determine if this variant is pathogenic or benign. Therefore, we consider this a variant of uncertain significance. ACMG Criteria: BP4, PM2